The following continues an entry in ClinVar:

NC_012920.1(MT-RNR1):m.1494C>T

ClinVar aggregate classification (germline): Likely pathogenic; drug response. Likely pathogenic (1).

Submissions 9 to 15 of 15:

Laboratory for Molecular Medicine, Mass General Brigham Personalized Medicine
Classification: Likely pathogenic for Rare genetic deafness. Last evaluated: 2023-08-24. Review status: criteria provided, single submitter. Criteria: ACMG Guidelines, 2015. Collection method: clinical testing. Allele origin: germline. Inheritance: Mitochondrial inheritance. Not counted in ClinVar's aggregate classification.
Comment: The m.1494C>T variant in MTRNR1 has been reported in the homoplasmic state in >20 Asian and 2 Spanish probands with hearing loss ranging from mild to profound, with the majority having reported exposure to aminoglycoside antibiotics (Zhao 2004 PMID: 14681830, Wang 2006 PMID: 16380089, Rodriguez-Ballesteros 2006 PMID: 17085680, Chen 2007 PMID: 17698299, Han 2007 PMID: 17434445, Zhu 2009 PMID: 19682603, Lu 2010 PMID: 20100600, Shen 2011 PMID: 21205314, Ding 2016 PMID: 27397648, Zhou 2019 PMID: 30693673). Additionally, this variant segregated with hearing loss in many matrilineal relatives; however, a number of matrilineal relatives with the variant were not reported to have hearing loss with an average penetrance of 18% (range 0-77%) among different families (Barbarino 2016 PMID: 27654872). Most of these non-penetrant relatives were reported to not have aminoglycoside exposure. Additionally, a meta-analysis of case-control and cohort studies identified the variant at a higher frequency in patients with hearing loss who had been treated with aminoglycosides compared to untreated patients with hearing loss (1.1% vs. 0.056%, respectively, p=0.001). Furthermore, the meta-analysis also found that the m.1494C>T variant was associated with hearing loss and aminoglycoside treatment compared with controls (OR = 2.47 (1.04 - 3.91), p=0.001). The 1494T variant was also significantly associated with hearing loss independent of aminoglycoside use ( OR=1.19 (0.18-2.19), p=0.02). However, it should be noted that the confidence interval crossed or was close to 1 (Jing 2015). This variant was classified as Likely Pathogenic on Jul 11, 2022 by the ClinGen-approved Mitochondrial disease expert panel (Variation ID: 9632). This variant is also reported in ClinVar by PharmGKB with evidence level 2B, indicating moderate level of an association for variant-drug combination; however without statistical significance and/or small effect sizes. This variant has also been reported in 16% (1/6) of samples from haplogroup A6a, 0.84% (2/239) of samples from haplogroup D4j, and 0.08% (1/1202) of samples from haplogroup J1c (MitoMap). In addition, this variant has been reported in 0.067% (1/1493) of South Asian and 0.039% (10/25849) of European chromosomes in the homoplasmic state by gnomAD (v.3.1.2). The nucleotide position at m.1494 is highly conserved through species. It is predicted to form a novel U1494-1555A base pair which is in the same position as the C1494-1555G pair which is a known cause of hearing loss. In vitro functional studies in cyrbrids provide some evidence that this variant shows decrease in transcription and mitochondrial protein synthesis in both symptomatic and asymptomatic individuals (Zhao 2005 PMID: 15722487). In summary, while further case-control studies are required to determine the effect size of this allele, the current data supports a classification of likely pathogenic for hearing loss, especially in the context of exposure to aminogylosides. ACMG/AMP Criteria applied: PS4, PM5, PS3_Supporting.

New York Genome Center
Classification: Likely pathogenic for Aminoglycoside Ototoxicity. Last evaluated: 2023-03-02. Review status: criteria provided, single submitter. Criteria: NYGC Assertion Criteria 2020. Collection method: clinical testing. Allele origin: inherited. Observed: 1 variant allele. Study: PrenatalSEQ. Not counted in ClinVar's aggregate classification.
Comment: The m.1494C>T mitochondrial variant (98% heteroplasmy) has been reported in homoplasmic or at high heteroplasmy levels in many affected individuals in the literature [PMID:20301595, 16380089, 14681830]. The mitochondrial 1494 position is in a highly conserved region of the mitochondrial genome and forms a U1494-1555A base pair, and the m.1555 nucleotide is also a well known mitochondrial variant associated with aminoglycoside ototoxicity [PMID:20301595]. Functional studies have demonstrated that the m.1494C>T variant leads to decreased mitochondrial protein synthesis and respiratory capacity [PMID:15722487]. The m.1494C>T variant is reported as Likely Pathogenic in ClinVar by the ClinGen Mitochondrial Disease Nuclear and Mitochondrial Expert Panel (VarID:9632), and has been curated with Level 1A evidence for ototoxicity for several drugs including aminoglycoside antibacterials by PharmGKB. Given the available evidence, the m.1494C>T mitochondrial variant is reported as Likely Pathogenic.

Medical Genetics Summaries
Classification: drug response for Gentamicin response. Last evaluated: 2018-08-01. Review status: criteria provided, single submitter. Criteria: Medical Genetics Summaries: Gentamicin therapy and MT-RNR1 genotype. Collection method: curation. Allele origin: maternal. Affected: yes. Not counted in ClinVar's aggregate classification.
Comment: Individuals who have the m.1494C > T variant are at risk of gentamicin-induced hearing loss.

Equipe Genetique des Anomalies du Developpement, Université de Bourgogne
Classification: drug response for Aminoglycoside-induced deafness. Last evaluated: 2018-11-08. Review status: no assertion criteria provided. Collection method: research. Allele origin: unknown. Affected: no. Observed: 1 variant allele. Not counted in ClinVar's aggregate classification.

OMIM
Classification: Pathogenic for DEAFNESS, AMINOGLYCOSIDE-INDUCED. Last evaluated: 2006-02-10. Review status: no assertion criteria provided. Collection method: literature only. Allele origin: germline. Not counted in ClinVar's aggregate classification.

OMIM
Classification: Pathogenic for DEAFNESS, NONSYNDROMIC SENSORINEURAL, MITOCHONDRIAL. Last evaluated: 2006-02-10. Review status: no assertion criteria provided. Collection method: literature only. Allele origin: germline. Not counted in ClinVar's aggregate classification.

GeneReviews
No classification provided. Condition: Mitochondrial non-syndromic sensorineural hearing loss. Review status: no classification provided. Collection method: literature only. Allele origin: maternal. Not counted in ClinVar's aggregate classification.

Literature cited by the submitters: PubMed 14681830 (cited by 5 submitters); PubMed 17698030 (cited by ClinPGx and OLLIN Analises Genomicas, OLLIN); PubMed 17698299 (cited by 3 submitters); PubMed 19682603 (cited by ClinPGx and Laboratory for Molecular Medicine, Mass General Brigham Personalized Medicine); PubMed 20100600 (cited by 3 submitters); PubMed 21205314 (cited by ClinPGx and Laboratory for Molecular Medicine, Mass General Brigham Personalized Medicine); PubMed 25515069 (cited by ClinPGx and Laboratory for Molecular Medicine, Mass General Brigham Personalized Medicine); PubMed 27397648 (cited by ClinPGx and Laboratory for Molecular Medicine, Mass General Brigham Personalized Medicine); PubMed 16380089 (cited by 5 submitters); PubMed 17434445 (cited by 3 submitters); PubMed 20416460 (cited by ClinPGx and Laboratory for Molecular Medicine, Mass General Brigham Personalized Medicine); PubMed 25474306 (cited by ClinPGx); PubMed 29876232 (cited by ClinPGx); PubMed 17085680 (cited by ClinPGx and Laboratory for Molecular Medicine, Mass General Brigham Personalized Medicine); PubMed 18830133 (cited by ClinPGx and Laboratory for Molecular Medicine, Mass General Brigham Personalized Medicine); PubMed 15722487 (cited by OLLIN Analises Genomicas, OLLIN and Laboratory for Molecular Medicine, Mass General Brigham Personalized Medicine); PubMed 34467602 (cited by OLLIN Analises Genomicas, OLLIN); PubMed 17084680 (cited by OLLIN Analises Genomicas, OLLIN); PubMed 30693673 (cited by OLLIN Analises Genomicas, OLLIN and Laboratory for Molecular Medicine, Mass General Brigham Personalized Medicine); PubMed 27654872 (cited by Laboratory for Molecular Medicine, Mass General Brigham Personalized Medicine and Medical Genetics Summaries); PubMed 20301595 (cited by New York Genome Center and GeneReviews); PubMed 21047563 (cited by Medical Genetics Summaries and Equipe Genetique des Anomalies du Developpement, Université de Bourgogne); NCBI Bookshelf NBK1422 (cited by GeneReviews).